The following is an entry in ClinVar:

NM_000059.4(BRCA2):c.5634C>T (p.Asn1878=)

Gene: BRCA2 (BRCA2 DNA repair associated; plus strand). Cytogenetic location: 13q13.1.
Variant type: single nucleotide variant.
Coding change: c.5634C>T on transcript NM_000059.4 (MANE Select); coding-DNA position 5634, C replaced by T.
Protein change: p.Asn1878=; no amino-acid change (asparagine 1878 retained).
Molecular consequence: synonymous variant.
Genome position (GRCh38, 1-based): chr13:32,339,989, C>T. VCF-style: chr13-32339989-C-T. GRCh37 (hg19) VCF-style: chr13-32914126-C-T.
Identifiers: ClinVar variation 184090 (VCV000184090.47), dbSNP rs80358784, ClinGen allele CA022774.

ClinVar aggregate classification (germline): Likely benign. Review status: reviewed by expert panel (3 of 4 stars). 17 submissions from 17 submitters: Likely benign (1). 16 of the submissions do not count toward it. Last evaluated 2017-06-29.

Conditions:
BRCA2-related disorder. Also called: BRCA2-related condition; BRCA2-related disorders. Identifiers: MedGen CN239275.
Hereditary cancer-predisposing syndrome. Also called: Tumor predisposition; Neoplastic Syndromes, Hereditary; Hereditary Cancer Syndrome; Hereditary neoplastic syndrome. Identifiers: Orphanet 140162, MedGen C0027672, MeSH D009386, MONDO:0015356.
Hereditary breast ovarian cancer syndrome. Also called: Hereditary breast and ovarian cancer; Hereditary breast and ovarian cancer syndrome (HBOC); Breast and ovarian cancer; Hereditary breast and/or ovarian cancer syndrome; BRCA1- and BRCA2-Associated Hereditary Breast and Ovarian Cancer; Hereditary breast and ovarian cancer syndrome. Identifiers: Orphanet 145, MedGen C0677776, MeSH D061325, MONDO:0003582. Disease mechanism: loss of function.
Breast-ovarian cancer, familial, susceptibility to, 2 (BROVCA2). Also called: BRCA2 Hereditary Breast and Ovarian Cancer. Identifiers: Orphanet 145, MedGen C2675520, MONDO:0012933, OMIM 612555. Disease mechanism: loss of function.
Familial cancer of breast. Also called: hereditary breast carcinoma; BREAST CANCER, FAMILIAL; Hereditary breast cancer. Identifiers: Orphanet 227535, MedGen C0346153, MONDO:0016419, OMIM 114480. Disease mechanism: loss of function.
Malignant tumor of breast. Also called: Malignant breast neoplasm; Cancer breast. Identifiers: MedGen C0006142, MONDO:0007254. Disease mechanism: loss of function.

Allele frequency attached by ClinVar (database versions not stated): TOPMed 0.00002.
gnomAD v4.1: 70 of 1,611,650 alleles (0.0043%); highest among the groups gnomAD compares: Middle Eastern, 0.033%; 1 homozygote.

Submissions (17):

Evidence-based Network for the Interpretation of Germline Mutant Alleles (ENIGMA)
Classification: Likely benign for Breast-ovarian cancer, familial, susceptibility to, 2. Last evaluated: 2017-06-29. Review status: reviewed by expert panel. Criteria: ENIGMA BRCA1/2 Classification Criteria (2017-06-29). Collection method: curation. Allele origin: germline.
Comment: Synonymous substitution variant, with low bioinformatic likelihood to result in a splicing aberration (Splicing prior probability 0.02).

Labcorp Genetics (formerly Invitae), Labcorp
Classification: Likely benign for Hereditary breast ovarian cancer syndrome. Last evaluated: 2026-01-27. Review status: criteria provided, single submitter. Criteria: Invitae Variant Classification Sherloc (09022015). Collection method: clinical testing. Allele origin: germline. Not counted in ClinVar's aggregate classification.

Quest Diagnostics Nichols Institute San Juan Capistrano
Classification: Likely benign. Last evaluated: 2025-11-05. Review status: criteria provided, single submitter. Criteria: Quest Diagnostics criteria. Collection method: clinical testing. Allele origin: unknown. Not counted in ClinVar's aggregate classification.

CeGaT Center for Human Genetics Tuebingen
Classification: Likely benign. Last evaluated: 2025-07-01. Review status: criteria provided, single submitter. Criteria: CeGaT Center For Human Genetics Tuebingen Variant Classification Criteria Version 2. Collection method: clinical testing. Allele origin: germline. Affected: yes. Observed: 1 variant allele. Not counted in ClinVar's aggregate classification.
Comment: BRCA2: BP4, BP7

Center for Genomic Medicine, Rigshospitalet, Copenhagen University Hospital
Classification: Likely benign. Last evaluated: 2025-03-04. Review status: criteria provided, single submitter. Criteria: ACMG Guidelines, 2015. Collection method: clinical testing. Allele origin: germline. Not counted in ClinVar's aggregate classification.

KCCC/NGS Laboratory, Kuwait Cancer Control Center
Classification: Benign for Familial cancer of breast. Last evaluated: 2025-02-01. Review status: criteria provided, single submitter. Criteria: ACMG Guidelines, 2015. Collection method: clinical testing. Allele origin: germline. Affected: no. Not counted in ClinVar's aggregate classification.

Institute for Biomarker Research, Medical Diagnostic Laboratories, L.L.C.
Classification: Likely benign for Hereditary breast ovarian cancer syndrome. Last evaluated: 2025-01-30. Review status: criteria provided, single submitter. Criteria: ACMG Guidelines, 2015. Collection method: clinical testing. Allele origin: germline. Not counted in ClinVar's aggregate classification.
Comment: The synonymous variant NM_000059.4(BRCA2):c.5634C>T (p.Asn1878=) has been reported to ClinVar as Likely benign with a status of (3 stars) reviewed by expert panel (Variation ID 184090 as of 2025-01-02). The p.Asn1878= variant is not predicted to disrupt an existing splice site. The p.Asn1878= variant results in a substitution of a base that is not predicted conserved by GERP++ and PhyloP. For these reasons, this variant has been classified as Likely Benign.

Blueprint Genetics
Classification: Likely benign. Last evaluated: 2024-09-18. Review status: criteria provided, single submitter. Criteria: ACMG Guidelines, 2015. Collection method: clinical testing. Allele origin: germline. Not counted in ClinVar's aggregate classification.

All of Us Research Program, National Institutes of Health
Classification: Likely benign for Breast-ovarian cancer, familial, susceptibility to, 2. Last evaluated: 2024-01-03. Review status: criteria provided, single submitter. Criteria: ACMG Guidelines, 2015. Collection method: clinical testing. Allele origin: germline. Inheritance: Autosomal dominant inheritance. Observed: 14 variant alleles, 14 heterozygotes. Not counted in ClinVar's aggregate classification.
Comment: This study involves interpretation of variants in research participants for the purpose of population health screening. Participant phenotype was not available at the time of variant classification. Additional details can be found in publication PMID: 35346344, PMCID: PMC8962531

Sema4
Classification: Likely benign for Hereditary cancer-predisposing syndrome. Last evaluated: 2020-08-17. Review status: criteria provided, single submitter. Criteria: Sema4 Curation Guidelines. Collection method: curation. Allele origin: germline. Not counted in ClinVar's aggregate classification.

ARUP Laboratories, Molecular Genetics and Genomics, ARUP Laboratories
Classification: Likely benign. Last evaluated: 2020-01-10. Review status: criteria provided, single submitter. Criteria: ARUP Molecular Germline Variant Investigation Process. Collection method: clinical testing. Allele origin: germline. Not counted in ClinVar's aggregate classification.

Women's Health and Genetics/Laboratory Corporation of America, LabCorp
Classification: Likely benign. Last evaluated: 2019-08-21. Review status: criteria provided, single submitter. Criteria: LabCorp Variant Classification Summary - May 2015. Collection method: clinical testing. Allele origin: germline. Not counted in ClinVar's aggregate classification.

Color Diagnostics, LLC DBA Color Health
Classification: Likely benign for Hereditary cancer-predisposing syndrome. Last evaluated: 2016-04-22. Review status: criteria provided, single submitter. Criteria: ACMG Guidelines, 2015. Collection method: clinical testing. Allele origin: germline. Not counted in ClinVar's aggregate classification.

GeneDx
Classification: Benign. Last evaluated: 2015-03-03. Review status: criteria provided, single submitter. Criteria: GeneDx Variant Classification Process June 2021. Collection method: clinical testing. Allele origin: germline. Affected: yes. Not counted in ClinVar's aggregate classification.

Ambry Genetics
Classification: Likely benign for Hereditary cancer-predisposing syndrome. Last evaluated: 2014-07-17. Review status: criteria provided, single submitter. Criteria: Ambry Variant Classification Scheme 2023. Collection method: clinical testing. Allele origin: germline. Not counted in ClinVar's aggregate classification.

PreventionGenetics, part of Exact Sciences
Classification: Likely benign for BRCA2-related condition. Last evaluated: 2019-08-01. Review status: no assertion criteria provided. Collection method: clinical testing. Allele origin: germline. Not counted in ClinVar's aggregate classification.
Comment: This variant is classified as likely benign based on ACMG/AMP sequence variant interpretation guidelines (Richards et al. 2015 PMID: 25741868, with internal and published modifications).

Department of Pathology and Laboratory Medicine, Sinai Health System
Classification: Likely benign for Malignant tumor of breast. Review status: no assertion criteria provided. Collection method: clinical testing. Allele origin: unknown. Affected: yes. Observed: 2 variant alleles. Study: The Canadian Open Genetics Repository (COGR). Not counted in ClinVar's aggregate classification.
Comment: The BRCA2 p.Asn1878= variant was identified in 1 of 3050 proband chromosomes (frequency: 0.0003) from individuals or families at huigh risk for hereditary breast and ovarian cancer syndrome (Caux-Moncoutier 2011 PMID: 21120943). The variant was also identified in ClinVar (as Likely Benign by ENIGMA, Quest, Ambry and Invitae), Clinvitae (as Likely Benign by Ambry, ENIGMA and Invitae), Cosmic (as Neutral 2x in carcinoma of the large intestine), LOVD 3.0 (5x as unknown), and UMD-LSDB (9x as an unknown variant) databases. The variant was not identified in MutDB, BIC Database, ARUP Laboratories, or Zhejiang Colon Cancer Database databases. The variant was identified in control databases in 16 of 243626 chromosomes at a frequency of 0.00007 (Genome Aggregation Database Feb 27, 2017). The variant was observed in the following populations: Other in 1 of 5442 chromosomes (freq: 0.0002), EuropeanNon-Finnish in 9 of 110724 chromosomes (freq: 0.00008), EastAsian in 1 of 17186 chromosomes (freq: 0.00006), and SouthAsian in 5 of 29880 chromosomes (freq: 0.0002), while the variant was not observed in the African, Latino, Ashkenazi Jewish, or European Finnish, populations. The variant was identified in the literature in one study and classified as unknown based on in silico analysis (Caux-Moncoutier 2011). The p.Asn1878= variant is not expected to have clinical significance because it does not result in a change of amino acid and is not located in a known consensus splice site. In addition, in silico or computational prediction software programs (SpliceSiteFinder, MaxEntScan, NNSPLICE, GeneSplicer, HumanSpliceFinder) do not predict a difference in splicing. In summary, based on the above information the clinical significance of this variant cannot be determined with certainty at this time although we would lean towards a more benign role for this variant. This variant is classified as likely benign.

Literature cited by the submitters: PubMed 21120943 (cited by Quest Diagnostics Nichols Institute San Juan Capistrano); PubMed 32467295 (cited by Quest Diagnostics Nichols Institute San Juan Capistrano); PubMed 34541275 (cited by Quest Diagnostics Nichols Institute San Juan Capistrano); PubMed 32579544 (cited by Quest Diagnostics Nichols Institute San Juan Capistrano).